The following is an entry in ClinVar:

NM_006996.3(SLC19A2):c.918C>T (p.Thr306=)

Gene: SLC19A2 (solute carrier family 19 member 2; minus strand). Cytogenetic location: 1q24.2.
Variant type: single nucleotide variant.
Coding change: c.918C>T on transcript NM_006996.3 (MANE Select); coding-DNA position 918, C replaced by T.
Protein change: p.Thr306=; no amino-acid change (threonine 306 retained).
Molecular consequence: synonymous variant.
Genome position (GRCh38, 1-based): chr1:169,470,076, G>A on the plus strand (C>T on the coding strand, the complement: SLC19A2 is on the minus strand). VCF-style: chr1-169470076-G-A. GRCh37 (hg19) VCF-style: chr1-169439314-G-A.
Other names: c.315C>T, p.Thr105= (NM_001319667.1).
Identifiers: ClinVar variation 4920839 (VCV004920839.2).

ClinVar aggregate classification (germline): Likely benign. Review status: criteria provided, multiple submitters, no conflicts (2 of 4 stars). 2 submissions from 2 submitters: Likely benign (2). Last evaluated 2026-07-01.

gnomAD v4.1: 3 of 1,614,034 alleles (0.00019%); highest among the groups gnomAD compares: Non-Finnish European, 0.00025%; no homozygotes.

Submissions (2):

CeGaT Center for Human Genetics Tuebingen
Classification: Likely benign. Last evaluated: 2026-07-01. Review status: criteria provided, single submitter. Criteria: CeGaT Center For Human Genetics Tuebingen Variant Classification Criteria Version 2. Collection method: clinical testing. Allele origin: germline. Affected: yes. Observed: 1 variant allele.
Comment: SLC19A2: BP4, BP7

Blueprint Genetics
Classification: Likely benign. Last evaluated: 2022-02-15. Review status: criteria provided, single submitter. Criteria: ACMG Guidelines, 2015. Collection method: clinical testing. Allele origin: germline.